The following is an entry in ClinVar:

ClinVar aggregate classification (germline): Likely benign (1 of 4 stars; one submission).

Allele frequency attached by ClinVar (database versions not stated): gnomAD 0.00001.
gnomAD v4.1: 3 of 1,614,076 alleles (0.00019%); highest among the groups gnomAD compares: African/African-American, 0.0027%; no homozygotes.

Submission:

CeGaT Center for Human Genetics Tuebingen
Classification: Likely benign. Last evaluated: 2023-02-01. Review status: criteria provided, single submitter. Criteria: CeGaT Center For Human Genetics Tuebingen Variant Classification Criteria Version 2. Collection method: clinical testing. Allele origin: germline. Affected: yes. Observed: 1 variant allele.
Comment: GRIN2B: BP4

NM_000834.5(GRIN2B):c.3099C>T (p.Ser1033=)

Gene: GRIN2B (glutamate ionotropic receptor NMDA type subunit 2B; minus strand). Cytogenetic location: 12p13.1.
Variant type: single nucleotide variant.
Coding change: c.3099C>T on transcript NM_000834.5 (MANE Select); coding-DNA position 3099, C replaced by T.
Protein change: p.Ser1033=; no amino-acid change (serine 1033 retained).
Molecular consequence: synonymous variant.
Genome position (GRCh38, 1-based): chr12:13,564,139, G>A on the plus strand (C>T on the coding strand, the complement: GRIN2B is on the minus strand). VCF-style: chr12-13564139-G-A. GRCh37 (hg19) VCF-style: chr12-13717073-G-A.
Other names: c.3099C>T, p.Ser1033= (NM_001413992.1).
Identifiers: ClinVar variation 2642746 (VCV002642746.24), dbSNP rs796052575, ClinGen allele CA478848579.